The following is an entry in ClinVar:

NM_006383.4(CIB2):c.374A>G (p.Lys125Arg)

Gene: CIB2 (calcium and integrin binding family member 2; minus strand). Cytogenetic location: 15q25.1.
Variant type: single nucleotide variant.
Coding change: c.374A>G on transcript NM_006383.4 (MANE Select); coding-DNA position 374, A replaced by G.
Protein change: p.Lys125Arg; replaces lysine 125 with arginine.
Molecular consequence: missense variant. On other transcripts: non-coding transcript variant (1).
Genome position (GRCh38, 1-based): chr15:78,105,907, T>C on the plus strand (A>G on the coding strand, the complement: CIB2 is on the minus strand). VCF-style: chr15-78105907-T-C. GRCh37 (hg19) VCF-style: chr15-78398249-T-C.
Other names: c.245A>G, p.Lys82Arg (NM_001271888.2); c.227A>G, p.Lys76Arg (NM_001271889.2); c.389A>G, p.Lys130Arg (NM_001301224.2); short protein forms K76R, K125R, K130R, K82R.
Identifiers: ClinVar variation 849056 (VCV000849056.9), dbSNP rs1176103448, ClinGen allele CA393545880.

ClinVar aggregate classification (germline): Uncertain significance (1 of 4 stars; one submission).

Allele frequency attached by ClinVar (database versions not stated): gnomAD exomes below 0.00001 and 0.00002.

Submission:

Labcorp Genetics (formerly Invitae), Labcorp
Classification: Uncertain significance. Last evaluated: 2022-07-19. Review status: criteria provided, single submitter. Criteria: Invitae Variant Classification Sherloc (09022015). Collection method: clinical testing. Allele origin: germline.
Comment: In summary, the available evidence is currently insufficient to determine the role of this variant in disease. Therefore, it has been classified as a Variant of Uncertain Significance. Algorithms developed to predict the effect of sequence changes on RNA splicing suggest that this variant may create or strengthen a splice site. Algorithms developed to predict the effect of missense changes on protein structure and function are either unavailable or do not agree on the potential impact of this missense change (SIFT: "Tolerated"; PolyPhen-2: "Probably Damaging"; Align-GVGD: "Class C0"). ClinVar contains an entry for this variant (Variation ID: 849056). This variant has not been reported in the literature in individuals affected with CIB2-related conditions. This variant is present in population databases (no rsID available, gnomAD no frequency). This sequence change replaces lysine, which is basic and polar, with arginine, which is basic and polar, at codon 125 of the CIB2 protein (p.Lys125Arg).